The following is an entry in ClinVar:

NM_001144958.2(CRACR2A):c.1818-18G>A

Gene: CRACR2A (calcium release activated channel regulator 2A; minus strand). Cytogenetic location: 12p13.32.
Variant type: single nucleotide variant.
Coding change: c.1818-18G>A on transcript NM_001144958.2 (MANE Select); 18 bases into the intron before coding-DNA position 1818, G replaced by A.
Molecular consequence: intron variant.
Genome position (GRCh38, 1-based): chr12:3,627,568, C>T on the plus strand (G>A on the coding strand, the complement: CRACR2A is on the minus strand). VCF-style: chr12-3627568-C-T. GRCh37 (hg19) VCF-style: chr12-3736734-C-T.
Identifiers: ClinVar variation 2688078 (VCV002688078.2), dbSNP rs10848893, ClinGen allele CA6394347.

ClinVar aggregate classification (germline): Benign (1 of 4 stars; one submission).

Allele frequency attached by ClinVar (database versions not stated): ExAC 0.25701; gnomAD exomes 0.25755; ESP Exome Variant Server 0.29216; gnomAD 0.31051; TOPMed 0.31813; 1000 Genomes Project 30x 0.34057; 1000 Genomes Project 0.34305.
gnomAD v4.1: 407,773 of 1,551,238 alleles (26%); highest among the groups gnomAD compares: African/African-American, 42%; 56,061 homozygotes.

Submission:

Unidad de Genómica Garrahan, Hospital de Pediatría Garrahan
Classification: Benign. Last evaluated: 2024-01-24. Review status: criteria provided, single submitter. Criteria: ACMG Guidelines, 2015. Collection method: clinical testing. Allele origin: germline. Affected: no. Observed: 55 variant alleles.
Comment: This variant is classified as Benign based on local population frequency. This variant was detected in 58% of patients studied by a panel of primary immunodeficiencies. Number of patients: 55. Only high quality variants are reported.